The following is an entry in ClinVar:

ClinVar aggregate classification (germline): Pathogenic. Review status: reviewed by expert panel (3 of 4 stars). 16 submissions from 16 submitters: Pathogenic (1). 15 of the submissions do not count toward it. Last evaluated 2016-09-08.

Conditions:
Fanconi anemia complementation group D1. Also called: BRCA2-Related Fanconi Anemia. Identifiers: Orphanet 319462, MedGen C1838457, MONDO:0011584, OMIM 605724.
Hereditary breast ovarian cancer syndrome. Also called: BRCA1- and BRCA2-Associated Hereditary Breast and Ovarian Cancer; Hereditary breast and ovarian cancer syndrome; Hereditary breast and ovarian cancer; Hereditary breast and ovarian cancer syndrome (HBOC); Breast and ovarian cancer; Hereditary breast and/or ovarian cancer syndrome. Identifiers: Orphanet 145, MedGen C0677776, MeSH D061325, MONDO:0003582. Disease mechanism: loss of function.
Hereditary cancer-predisposing syndrome. Also called: Tumor predisposition; Hereditary neoplastic syndrome; Neoplastic Syndromes, Hereditary; Hereditary Cancer Syndrome. Identifiers: Orphanet 140162, MedGen C0027672, MeSH D009386, MONDO:0015356.
Breast-ovarian cancer, familial, susceptibility to, 2 (BROVCA2). Also called: BRCA2 Hereditary Breast and Ovarian Cancer. Identifiers: Orphanet 145, MedGen C2675520, MONDO:0012933, OMIM 612555. Disease mechanism: loss of function.
Familial cancer of breast. Also called: Hereditary breast cancer; hereditary breast carcinoma; BREAST CANCER, FAMILIAL. Identifiers: Orphanet 227535, MedGen C0346153, MONDO:0016419, OMIM 114480. Disease mechanism: loss of function.
Malignant tumor of breast. Also called: Malignant breast neoplasm; Cancer breast. Identifiers: MedGen C0006142, MONDO:0007254. Disease mechanism: loss of function.

Submissions 1 to 11 of 16:

Evidence-based Network for the Interpretation of Germline Mutant Alleles (ENIGMA)
Classification: Pathogenic for Breast-ovarian cancer, familial, susceptibility to, 2. Last evaluated: 2016-09-08. Review status: reviewed by expert panel. Criteria: ENIGMA BRCA1/2 Classification Criteria (2015). Collection method: curation. Allele origin: germline.
Comment: Variant allele predicted to encode a truncated non-functional protein.

Labcorp Genetics (formerly Invitae), Labcorp
Classification: Pathogenic for Hereditary breast ovarian cancer syndrome. Last evaluated: 2025-08-17. Review status: criteria provided, single submitter. Criteria: Invitae Variant Classification Sherloc (09022015). Collection method: clinical testing. Allele origin: germline. Not counted in ClinVar's aggregate classification.
Comment: This sequence change creates a premature translational stop signal (p.Tyr1716Lysfs*8) in the BRCA2 gene. It is expected to result in an absent or disrupted protein product. Loss-of-function variants in BRCA2 are known to be pathogenic (PMID: 20104584). This variant is present in population databases (rs763933639, gnomAD 0.004%). This premature translational stop signal has been observed in individual(s) with male breast cancer and/or breast and/or ovarian cancer (PMID: 11857748, 16261400, 19912264, 20859677, 23199084, 23479189, 26026974). It is commonly reported in individuals of Spanish ancestry (PMID: 19912264, 23199084). This variant is also known as 5374delTATG, 5373delGTAT, c.5374_5377delTATG, c.5373_5376delGTAT. ClinVar contains an entry for this variant (Variation ID: 51779). For these reasons, this variant has been classified as Pathogenic.

Center for Genomic Medicine, Rigshospitalet, Copenhagen University Hospital
Classification: Pathogenic. Last evaluated: 2025-03-04. Review status: criteria provided, single submitter. Criteria: ACMG Guidelines, 2015. Collection method: clinical testing. Allele origin: germline. Not counted in ClinVar's aggregate classification.

Ambry Genetics
Classification: Pathogenic for Hereditary cancer-predisposing syndrome. Last evaluated: 2025-03-03. Review status: criteria provided, single submitter. Criteria: Ambry Variant Classification Scheme 2023. Collection method: clinical testing. Allele origin: germline. Not counted in ClinVar's aggregate classification.
Comment: The c.5146_5149delTATG (p.Y1716Kfs*8) alteration, located in exon 11 (coding exon 10) of the BRCA2 gene, consists of a deletion of 4 nucleotides from position 5146 to 5149, causing a translational frameshift with a predicted alternate stop codon after 8 amino acids. This alteration is expected to result in loss of function by premature protein truncation or nonsense-mediated mRNA decay. Based on data from gnomAD, the c.5146_5149delTATG allele has an overall frequency of <0.001% (1/226616) total alleles studied. The highest observed frequency was 0.004% (1/28320) of Latino alleles. This mutation has been observed in multiple breast and/or ovarian cancer families in the literature (Llort, 2002; de Juan Jim&eacute;nez, 2013). Haplotype analysis performed on 13 families with this mutation suggests that it originated in Spain from a common ancestor (Infante, 2010), and one study identified this alteration in 2/312 Spanish male breast cancer patients (de Juan, 2015). Of note, this alteration is also designated as 5373delGTAT, 5374del4, and 5146_5149del4 in published literature. Based on the available evidence, this alteration is classified as pathogenic.

Molecular Diagnostics Laboratory, Catalan Institute of Oncology
Classification: Pathogenic for Hereditary cancer-predisposing syndrome. Last evaluated: 2024-10-07. Review status: criteria provided, single submitter. Criteria: ClinGen BRCA1BRCA2 ACMG Specifications BRCA2 V1.0.0. Collection method: clinical testing. Allele origin: germline. Not counted in ClinVar's aggregate classification.
Comment: PVS1_PM5_PTC_Strong c.5146_5149del, located in exon 11 of the BRCA2 gene, consists in the deletion of 2 nucleotides causing a premature protein truncation and nonsense-mediated mRNA decay; p.(Tyr1716Lysfs*8)(PVS1, PM5_PTC_Strong).This variant is found in 1/212150 in the gnomAD v2.1.1 database, exome non-cancer data set. This variant has been reported in the ClinVar database (13x pathogenic) and LOVD (6x pathogenic, 1x uncertain significance, 1x not classified) and classified as a pathogenic variant in BRCA Exchange database (“Variant allele predicted to encode a truncated non-functional protein”). Based on currently available information, the variant c.5146_5149del is classified as a pathogenic variant according to ClinGen-BRCA1 and BRCA2 Guidelines version 1.0.0.

Women's Health and Genetics/Laboratory Corporation of America, LabCorp
Classification: Pathogenic for Hereditary breast ovarian cancer syndrome. Last evaluated: 2023-02-15. Review status: criteria provided, single submitter. Criteria: LabCorp Variant Classification Summary - May 2015. Collection method: clinical testing. Allele origin: germline. Not counted in ClinVar's aggregate classification.
Comment: Variant summary: BRCA2 c.5146_5149delTATG (p.Tyr1716LysfsX8) results in a premature termination codon, predicted to cause a truncation of the encoded protein or absence of the protein due to nonsense mediated decay, which are commonly known mechanisms for disease. Truncations downstream of this position have been classified as pathogenic by our laboratory. The variant allele was found at a frequency of 4.4e-06 in 226616 control chromosomes. c.5146_5149delTATG has been reported in the literature in multiple individuals affected with Hereditary Breast And Ovarian Cancer Syndrome. These data indicate that the variant is very likely to be associated with disease. Seven clinical diagnostic laboratories have submitted clinical-significance assessments for this variant to ClinVar after 2014 without evidence for independent evaluation. All laboratories classified the variant as pathogenic. Based on the evidence outlined above, the variant was classified as pathogenic.

Baylor Genetics
Classification: Pathogenic for Familial cancer of breast. Last evaluated: 2023-02-10. Review status: criteria provided, single submitter. Criteria: ACMG Guidelines, 2015. Collection method: clinical testing. Allele origin: unknown. Not counted in ClinVar's aggregate classification.

GeneDx
Classification: Pathogenic. Last evaluated: 2019-09-03. Review status: criteria provided, single submitter. Criteria: GeneDx Variant Classification Process June 2021. Collection method: clinical testing. Allele origin: germline. Affected: yes. Not counted in ClinVar's aggregate classification.
Comment: Frameshift variant predicted to result in protein truncation or nonsense mediated decay in a gene for which loss-of-function is a known mechanism of disease; Observed in individuals with breast and ovarian cancer, and is reported as a founder variant in Spanish populations (Llort 2002, Infante 2010, Gonzalez-Hormazabal 2011, de Juan Jimenez 2013, de Juan 2015); Not observed at a significant frequency in large population cohorts (Lek 2016); Truncating variants in this gene are considered pathogenic by a well-established clinical consortium and/or database; Also known as BRCA2 5374del4, 5373del4, c.5374_5377delTATG, or c.5373_5376delGTAT; This variant is associated with the following publications: (PMID: 28127413, 16261400, 29088781, 30103829, 19912264, 23479189, 11857748, 22460208, 12655567, 23929434, 20859677, 26026974, 25671134, 30720243, 31125277)

Clinical Genetics and Genomics, Karolinska University Hospital
Classification: Pathogenic. Last evaluated: 2018-01-22. Review status: criteria provided, single submitter. Criteria: ACMG Guidelines, 2015. Collection method: clinical testing. Allele origin: germline. Affected: yes. Observed: 1 variant allele. Not counted in ClinVar's aggregate classification.

Genologica Medica
Classification: Pathogenic for Breast-ovarian cancer, familial, susceptibility to, 2. Last evaluated: 2017-01-01. Review status: criteria provided, single submitter. Criteria: ACMG Guidelines, 2015. Collection method: clinical testing. Allele origin: germline. Affected: yes. Not counted in ClinVar's aggregate classification.

Consortium of Investigators of Modifiers of BRCA1/2 (CIMBA), c/o University of Cambridge
Classification: Pathogenic for Breast-ovarian cancer, familial, susceptibility to, 2. Last evaluated: 2015-10-02. Review status: criteria provided, single submitter. Criteria: CIMBA Mutation Classification guidelines May 2016. Collection method: clinical testing. Allele origin: germline. Not counted in ClinVar's aggregate classification.

NM_000059.4(BRCA2):c.5146_5149del (p.Tyr1716fs)

Gene: BRCA2 (BRCA2 DNA repair associated; plus strand). Cytogenetic location: 13q13.1.
Variant type: Deletion.
Coding change: c.5146_5149del on transcript NM_000059.4 (MANE Select); coding-DNA positions 5146 to 5149, 4 bases deleted (TATG; older notation c.5146_5149delTATG).
Protein change: p.Tyr1716fs; shifts the reading frame from tyrosine 1716.
Molecular consequence: frameshift variant.
Genome position (GRCh38, 1-based): chr13:32,339,501-32,339,504, TATG deleted; deleting any 4 consecutive bases within chr13:32,339,499-32,339,504 gives the same sequence; the c. name uses the placement nearest the transcript's 3' end. VCF-style (leftmost placement, unchanged base first): chr13-32339498-TTGTA-T. GRCh37 (hg19) VCF-style: chr13-32913635-TTGTA-T.
Other names: 5373delGTAT; c.5146_5149delTATG (NM_000059.3).
Identifiers: ClinVar variation 51779 (VCV000051779.66), dbSNP rs276174854, ClinGen allele CA021379.